The following is an entry in ClinVar:

NM_000433.4(NCF2):c.500G>A (p.Trp167Ter)

Gene: NCF2 (neutrophil cytosolic factor 2; minus strand). Cytogenetic location: 1q25.3.
Variant type: single nucleotide variant.
Coding change: c.500G>A on transcript NM_000433.4 (MANE Select); coding-DNA position 500, G replaced by A.
Protein change: p.Trp167Ter; replaces tryptophan 167 with a stop codon.
Molecular consequence: nonsense. On other transcripts: intron variant (2).
Genome position (GRCh38, 1-based): chr1:183,574,488, C>T on the plus strand (G>A on the coding strand, the complement: NCF2 is on the minus strand). VCF-style: chr1-183574488-C-T. GRCh37 (hg19) VCF-style: chr1-183543623-C-T.
Other names: c.500G>A, p.Trp167Ter (NM_001410895.1, NM_001127651.3); c.366+3111G>A (NM_001190789.2); c.367-1196G>A (NM_001190794.2); short protein forms W167*.
Identifiers: ClinVar variation 2501077 (VCV002501077.4), dbSNP rs2527963676, ClinGen allele CA343676763.

ClinVar aggregate classification (germline): Pathogenic/Likely pathogenic. Review status: criteria provided, multiple submitters, no conflicts (2 of 4 stars). 2 submissions from 2 submitters: Pathogenic (1); Likely pathogenic (1). Last evaluated 2023-09-03.

Conditions:
Granulomatous disease, chronic, autosomal recessive, cytochrome b-positive, type 2. Also called: GRANULOMATOUS DISEASE, CHRONIC, AUTOSOMAL RECESSIVE, 2; Chronic granulomatous disease due to deficiency of NCF-2; CGD, AUTOSOMAL RECESSIVE CYTOCHROME b-POSITIVE, TYPE II; GRANULOMATOUS DISEASE, CHRONIC, DUE TO NCF2 DEFICIENCY; Chronic Granulomatous Disease, Autosomal Recessive, Cytochrome b-Positive, Type II. Identifiers: Orphanet 379, MedGen C1856245, MONDO:0009310, OMIM 233710.
Chronic granulomatous disease. Identifiers: Orphanet 379, MedGen C0018203, MONDO:0018305.

Allele frequency attached by ClinVar (database versions not stated): gnomAD exomes below 0.00001.
gnomAD v4.1: 1 of 1,614,222 alleles (0.000062%); highest among the groups gnomAD compares: East Asian, 0.0022%; no homozygotes.

Submissions (2):

Labcorp Genetics (formerly Invitae), Labcorp
Classification: Pathogenic for Granulomatous disease, chronic, autosomal recessive, cytochrome b-positive, type 2. Last evaluated: 2023-09-03. Review status: criteria provided, single submitter. Criteria: Invitae Variant Classification Sherloc (09022015). Collection method: clinical testing. Allele origin: germline.
Comment: This sequence change creates a premature translational stop signal (p.Trp167*) in the NCF2 gene. It is expected to result in an absent or disrupted protein product. Loss-of-function variants in NCF2 are known to be pathogenic (PMID: 10498624, 20167518). This variant is not present in population databases (gnomAD no frequency). This variant has not been reported in the literature in individuals affected with NCF2-related conditions. ClinVar contains an entry for this variant (Variation ID: 2501077). For these reasons, this variant has been classified as Pathogenic.

Women's Health and Genetics/Laboratory Corporation of America, LabCorp
Classification: Likely pathogenic for Chronic granulomatous disease. Last evaluated: 2023-03-21. Review status: criteria provided, single submitter. Criteria: LabCorp Variant Classification Summary - May 2015. Collection method: clinical testing. Allele origin: germline.
Comment: Variant summary: NCF2 c.500G>A (p.Trp167X) results in a premature termination codon, predicted to cause a truncation of the encoded protein or absence of the protein due to nonsense mediated decay, which are commonly known mechanisms for disease. Truncations downstream of this position have been reported in affected individuals (HGMD). The variant was absent in 251480 control chromosomes (gnomAD). To our knowledge, no occurrence of c.500G>A in individuals affected with Chronic Granulomatous Disease and no experimental evidence demonstrating its impact on protein function have been reported. No clinical diagnostic laboratories have submitted clinical-significance assessments for this variant to ClinVar after 2014. Based on the evidence outlined above, the variant was classified as likely pathogenic.

Literature cited by the submitters: PubMed 10498624 (cited by Labcorp Genetics (formerly Invitae), Labcorp); PubMed 20167518 (cited by Labcorp Genetics (formerly Invitae), Labcorp).